The following is an entry in ClinVar:

NM_001291303.3(FAT4):c.7466C>A (p.Ala2489Glu)

Gene: FAT4 (FAT atypical cadherin 4; plus strand). Cytogenetic location: 4q28.1.
Variant type: single nucleotide variant.
Coding change: c.7466C>A on transcript NM_001291303.3 (MANE Select); coding-DNA position 7466, C replaced by A.
Protein change: p.Ala2489Glu; replaces alanine 2489 with glutamic acid.
Molecular consequence: missense variant.
Genome position (GRCh38, 1-based): chr4:125,448,476, C>A. VCF-style: chr4-125448476-C-A. GRCh37 (hg19) VCF-style: chr4-126369631-C-A.
Other names: c.7466C>A, p.Ala2489Glu (NM_001291285.3); c.7460C>A, p.Ala2487Glu (NM_024582.6); short protein forms A2487E, A2489E.
Identifiers: ClinVar variation 1027298 (VCV001027298.3), dbSNP rs144853732, ClinGen allele CA3073200.

ClinVar aggregate classification (germline): Uncertain significance. Review status: criteria provided, multiple submitters, no conflicts (2 of 4 stars). 2 submissions from 2 submitters: Uncertain significance (2). Last evaluated 2022-06-22.

Conditions:
Van Maldergem syndrome 2 (VMLDS2). Identifiers: Orphanet 314679, MedGen C3809875, MONDO:0014242, OMIM 615546.
Hennekam lymphangiectasia-lymphedema syndrome 2 (HKLLS2). Identifiers: Orphanet 2136, MedGen C4014939, MONDO:0014454, OMIM 616006.

Allele frequency attached by ClinVar (database versions not stated): TOPMed 0.00003; ESP Exome Variant Server 0.00008.
gnomAD v4.1: 17 of 1,601,402 alleles (0.0011%); highest among the groups gnomAD compares: Admixed American, 0.021%; no homozygotes.

Submissions (2):

Labcorp Genetics (formerly Invitae), Labcorp
Classification: Uncertain significance. Last evaluated: 2022-06-22. Review status: criteria provided, single submitter. Criteria: Invitae Variant Classification Sherloc (09022015). Collection method: clinical testing. Allele origin: germline.
Comment: This sequence change replaces alanine, which is neutral and non-polar, with glutamic acid, which is acidic and polar, at codon 2487 of the FAT4 protein (p.Ala2487Glu). This variant is present in population databases (rs144853732, gnomAD 0.03%). This variant has not been reported in the literature in individuals affected with FAT4-related conditions. ClinVar contains an entry for this variant (Variation ID: 1027298). Advanced modeling of protein sequence and biophysical properties (such as structural, functional, and spatial information, amino acid conservation, physicochemical variation, residue mobility, and thermodynamic stability) performed at Invitae indicates that this missense variant is not expected to disrupt FAT4 protein function. Algorithms developed to predict the effect of sequence changes on RNA splicing suggest that this variant may create or strengthen a splice site. In summary, the available evidence is currently insufficient to determine the role of this variant in disease. Therefore, it has been classified as a Variant of Uncertain Significance.

Fulgent Genetics
Classification: Uncertain significance for Van Maldergem syndrome 2; Hennekam lymphangiectasia-lymphedema syndrome 2. Last evaluated: 2021-10-14. Review status: criteria provided, single submitter. Criteria: ACMG Guidelines, 2015. Collection method: clinical testing. Allele origin: unknown.